The following is an entry in ClinVar:

NM_014285.7(EXOSC2):c.854G>T (p.Arg285Leu)

Gene: EXOSC2 (exosome component 2; plus strand). Cytogenetic location: 9q34.12.
Variant type: single nucleotide variant.
Coding change: c.854G>T on transcript NM_014285.7 (MANE Select); coding-DNA position 854, G replaced by T.
Protein change: p.Arg285Leu; replaces arginine 285 with leucine.
Molecular consequence: missense variant. On other transcripts: non-coding transcript variant (1).
Genome position (GRCh38, 1-based): chr9:130,703,746, G>T. VCF-style: chr9-130703746-G-T. GRCh37 (hg19) VCF-style: chr9-133579133-G-T.
Other names: c.776G>T, p.Arg259Leu (NM_001282708.1); c.764G>T, p.Arg255Leu (NM_001282709.1); short protein forms R255L, R259L, R285L.
Identifiers: ClinVar variation 1009428 (VCV001009428.8), dbSNP rs144576118, ClinGen allele CA375248586.
Genomic context (GRCh38, chr9:130,703,746, plus strand): 5'-TTTTTCAGATCAAAGACATCTTAAAGCCAGAAATAATGGAGGAGATTGTGATGGAAACAC[G>T]CCAGAGGCTTTTGGAACAGGAGGGATAAGGAGGTGCTCCAGAAGCACGGGACTGTGGACC-3'
Protein context (NP_055100.2, residues 275-293): EIMEEIVMET[Arg285Leu]QRLLEQEG

ClinVar aggregate classification (germline): Uncertain significance (1 of 4 stars; one submission).

Submission:

Labcorp Genetics (formerly Invitae), Labcorp
Classification: Uncertain significance. Last evaluated: 2022-02-04. Review status: criteria provided, single submitter. Criteria: Invitae Variant Classification Sherloc (09022015). Collection method: clinical testing. Allele origin: germline.
Comment: In summary, the available evidence is currently insufficient to determine the role of this variant in disease. Therefore, it has been classified as a Variant of Uncertain Significance. Algorithms developed to predict the effect of missense changes on protein structure and function (SIFT, PolyPhen-2, Align-GVGD) all suggest that this variant is likely to be tolerated. ClinVar contains an entry for this variant (Variation ID: 1009428). This sequence change replaces arginine, which is basic and polar, with leucine, which is neutral and non-polar, at codon 285 of the EXOSC2 protein (p.Arg285Leu). This variant has not been reported in the literature in individuals affected with EXOSC2-related conditions. This variant is not present in population databases (gnomAD no frequency).